The following is an entry in ClinVar:

NM_000093.5(COL5A1):c.379C>T (p.Gln127Ter)

Gene: COL5A1 (collagen type V alpha 1 chain; plus strand). Cytogenetic location: 9q34.3.
Variant type: single nucleotide variant.
Coding change: c.379C>T on transcript NM_000093.5 (MANE Select); coding-DNA position 379, C replaced by T.
Protein change: p.Gln127Ter; replaces glutamine 127 with a stop codon.
Molecular consequence: nonsense.
Genome position (GRCh38, 1-based): chr9:134,700,010, C>T. VCF-style: chr9-134700010-C-T. GRCh37 (hg19) VCF-style: chr9-137591856-C-T.
Other names: c.379C>T, p.Gln127Ter (NM_001278074.1); short protein forms Q127*.
Identifiers: ClinVar variation 3338864 (VCV003338864.1).
Genomic context (GRCh38, chr9:134,700,010, plus strand): 5'-AAAGCCAAGAAAGGCAGCCAGGCCTTCCTGGTCTCCATCTACAACGAGCAGGGTATCCAG[C>T]AGATTGGGCTGGAGCTGGGCCGCTCTCCCGTCTTCCTCTACGAGGACCACACGGGGAAGC-3'

ClinVar aggregate classification (germline): Pathogenic (1 of 4 stars; one submission).

Submission:

GeneDx
Classification: Pathogenic. Last evaluated: 2023-11-28. Review status: criteria provided, single submitter. Criteria: GeneDx Variant Classification Process June 2021. Collection method: clinical testing. Allele origin: germline. Affected: yes.
Comment: Identified in a patient with a diagnosis or suspicion of classic Ehlers-Danlos Syndrome (EDS) in published literature (PMID: 22696272); Not observed at significant frequency in large population cohorts (gnomAD); Published functional studies suggest a damaging effect via nonsense-mediated decay (PMID: 22696272); Nonsense variant predicted to result in protein truncation or nonsense mediated decay in a gene for which loss of function is a known mechanism of disease; This variant is associated with the following publications: (PMID: 22696272)